The following is an entry in ClinVar:

ClinVar aggregate classification (germline): Likely benign (1 of 4 stars; one submission).

Allele frequency attached by ClinVar (database versions not stated): gnomAD 0.00010.

Submission:

CeGaT Center for Human Genetics Tuebingen
Classification: Likely benign. Last evaluated: 2023-03-01. Review status: criteria provided, single submitter. Criteria: CeGaT Center For Human Genetics Tuebingen Variant Classification Criteria Version 2. Collection method: clinical testing. Allele origin: germline. Affected: yes. Observed: 1 variant allele.
Comment: OR11H2: BP4, BP7

NM_001197287.2(OR11H2):c.714A>G (p.Arg238=)

Gene: OR11H2 (olfactory receptor family 11 subfamily H member 2; minus strand). Cytogenetic location: 14q11.2.
Variant type: single nucleotide variant.
Coding change: c.714A>G on transcript NM_001197287.2 (MANE Select); coding-DNA position 714, A replaced by G.
Protein change: p.Arg238=; no amino-acid change (arginine 238 retained).
Molecular consequence: synonymous variant.
Genome position (GRCh38, 1-based): chr14:19,713,170, T>C on the plus strand (A>G on the coding strand, the complement: OR11H2 is on the minus strand). VCF-style: chr14-19713170-T-C. GRCh37 (hg19) VCF-style: chr14-20181329-T-C.
Identifiers: ClinVar variation 2644032 (VCV002644032.24), dbSNP rs753501613, ClinGen allele CA7072351.